The following is an entry in ClinVar:

NM_001267550.2(TTN):c.67438G>T (p.Gly22480Ter)

Genes: TTN-AS1 (TTN antisense RNA 1; plus strand), TTN (titin; minus strand), LOC126806423 (CDK7 strongly-dependent group 2 enhancer GRCh37_chr2:179443309-179444508; plus strand). Cytogenetic location: 2q31.2.
Variant type: single nucleotide variant.
Coding change: c.67438G>T on transcript NM_001267550.2 (MANE Select); coding-DNA position 67438, G replaced by T.
Protein change: p.Gly22480Ter; replaces glycine 22480 with a stop codon.
Molecular consequence: nonsense.
Genome position (GRCh38, 1-based): chr2:178,579,759, C>A on the plus strand (G>T on the coding strand, the complement: TTN is on the minus strand). VCF-style: chr2-178579759-C-A. GRCh37 (hg19) VCF-style: chr2-179444486-C-A.
Other names: c.62515G>T, p.Gly20839Ter (NM_001256850.1); c.40243G>T, p.Gly13415Ter (NM_003319.4); c.59734G>T, p.Gly19912Ter (NM_133378.4); c.40618G>T, p.Gly13540Ter (NM_133432.3); c.40819G>T, p.Gly13607Ter (NM_133437.4); short protein forms G13607*, G19912*, G13540*, G20839*, G22480*, G13415*.
Identifiers: ClinVar variation 4793067 (VCV004793067.1).
Genomic context (GRCh38, chr2:178,579,759, plus strand): 5'-CTCGTTGCCACTTATTTTCTTCAGTCAGGAAATCAACTACATATCCAATAATCCGACTTC[C>A]ACCATCACTGTGAGGCTTTTTCCAGCCAATGCTACAGGATGACTTAGATACAGACCTCAC-3'

ClinVar aggregate classification (germline): Likely pathogenic (1 of 4 stars; one submission).

Conditions:
Autosomal recessive limb-girdle muscular dystrophy type 2J (LGMDR10). Also called: MUSCULAR DYSTROPHY, LIMB-GIRDLE, AUTOSOMAL RECESSIVE 10; Limb-girdle muscular dystrophy, type 2J. Identifiers: Orphanet 140922, MedGen C1837342, MONDO:0012127, OMIM 608807.
Dilated cardiomyopathy 1G (CMD1G). Identifiers: Orphanet 154, MedGen C1858763, MONDO:0011400, OMIM 604145.

Submission:

Labcorp Genetics (formerly Invitae), Labcorp
Classification: Likely pathogenic for Dilated cardiomyopathy 1G; Autosomal recessive limb-girdle muscular dystrophy type 2J. Last evaluated: 2025-02-15. Review status: criteria provided, single submitter. Criteria: Invitae Variant Classification Sherloc (09022015). Collection method: clinical testing. Allele origin: germline.
Comment: This sequence change creates a premature translational stop signal (p.Gly22480*) in the TTN gene. While this is not anticipated to result in nonsense mediated decay, it is expected to create a truncated TTN protein. This variant is not present in population databases (gnomAD no frequency). This variant has not been reported in the literature in individuals affected with TTN-related conditions. This variant is located in the A band of TTN (PMID: 25589632). Truncating variants in this region are significantly overrepresented in patients affected with dilated cardiomyopathy (PMID: 25589632). Truncating variants in this region have also been reported in individuals affected with autosomal recessive centronuclear myopathy (PMID: 23975875). In summary, the currently available evidence indicates that the variant is pathogenic, but additional data are needed to prove that conclusively. Therefore, this variant has been classified as Likely Pathogenic.

Literature cited by the submitters: PubMed 25589632; PubMed 23975875.